The following is an entry in ClinVar:

NM_170606.3(KMT2C):c.11875G>C (p.Ala3959Pro)

Gene: KMT2C (lysine methyltransferase 2C; minus strand). Cytogenetic location: 7q36.1.
Variant type: single nucleotide variant.
Coding change: c.11875G>C on transcript NM_170606.3 (MANE Select); coding-DNA position 11875, G replaced by C.
Protein change: p.Ala3959Pro; replaces alanine 3959 with proline.
Molecular consequence: missense variant.
Genome position (GRCh38, 1-based): chr7:152,155,995, C>G on the plus strand (G>C on the coding strand, the complement: KMT2C is on the minus strand). VCF-style: chr7-152155995-C-G. GRCh37 (hg19) VCF-style: chr7-151853080-C-G.
Other names: short protein forms A3959P.
Identifiers: ClinVar variation 3344847 (VCV003344847.1).

ClinVar aggregate classification (germline): Uncertain significance (0 of 4 stars; one submission).

Conditions:
KMT2C-related disorder. Also called: KMT2C-related disorders; KMT2C-related condition.

Submission:

PreventionGenetics, part of Exact Sciences
Classification: Uncertain significance for KMT2C-related condition. Last evaluated: 2024-09-09. Review status: no assertion criteria provided. Collection method: clinical testing. Allele origin: germline.
Comment: The KMT2C c.11875G>C variant is predicted to result in the amino acid substitution p.Ala3959Pro. To our knowledge, this variant has not been reported in the literature or in a large population database, indicating this variant is rare. At this time, the clinical significance of this variant is uncertain due to the absence of conclusive functional and genetic evidence.